The following is an entry in ClinVar:

ClinVar aggregate classification (germline): Uncertain significance (1 of 4 stars; one submission).

Submission:

GeneDx
Classification: Uncertain significance. Last evaluated: 2020-04-08. Review status: criteria provided, single submitter. Criteria: GeneDx Variant Classification Process June 2021. Collection method: clinical testing. Allele origin: germline. Affected: yes.
Comment: Not observed in large population cohorts (Lek 2016); In silico analysis supports that this missense variant has a deleterious effect on protein structure/function; Has not been previously published as pathogenic or benign to our knowledge

NM_002528.7(NTHL1):c.539A>G (p.Tyr180Cys)

Gene: NTHL1 (nth like DNA glycosylase 1; minus strand). Cytogenetic location: 16p13.3.
Variant type: single nucleotide variant.
Coding change: c.539A>G on transcript NM_002528.7 (MANE Select); coding-DNA position 539, A replaced by G.
Protein change: p.Tyr180Cys; replaces tyrosine 180 with cysteine.
Molecular consequence: missense variant.
Genome position (GRCh38, 1-based): chr16:2,043,713, T>C on the plus strand (A>G on the coding strand, the complement: NTHL1 is on the minus strand). VCF-style: chr16-2043713-T-C. GRCh37 (hg19) VCF-style: chr16-2093714-T-C.
Other names: c.368A>G, p.Tyr123Cys (NM_001318193.2); c.209A>G, p.Tyr70Cys (NM_001318194.2); short protein forms Y123C, Y180C, Y70C.
Identifiers: ClinVar variation 1312621 (VCV001312621.2), dbSNP rs2150941438, ClinGen allele CA394292492.
Genomic context (GRCh38, chr16:2,043,713, plus strand): 5'-ACAGAGGCTGGGATGTCCCCACCGTAGTGCTGCTGCAGGATGGCGCTGGTCTGCTTGATG[T>C]ATTTCACCTTGCTCTGAAAGACAGGGGTGGGTTCAGCCTTGGAGGCAAGGGCACAGCCCA-3'
Protein context (NP_002519.2, residues 170-190): PVGFWRSKVK[Tyr180Cys]IKQTSAILQQ